The following is an entry in ClinVar:

ClinVar aggregate classification (germline): Uncertain significance (1 of 4 stars; one submission).

Submission:

Labcorp Genetics (formerly Invitae), Labcorp
Classification: Uncertain significance. Last evaluated: 2023-08-30. Review status: criteria provided, single submitter. Criteria: Invitae Variant Classification Sherloc (09022015). Collection method: clinical testing. Allele origin: unknown.
Comment: This variant is a gross deletion of the genomic region encompassing exon(s) 16 of the INTU gene, which includes the termination codon. This deletion extends beyond the assayed region for this gene and therefore may encompass additional genes. While this deletion is not anticipated to lead to nonsense mediated decay, it is expected to alter mRNA translation or result in a truncated protein product. This variant has not been reported in the literature in individuals affected with INTU-related conditions. Experimental studies and prediction algorithms are not available or were not evaluated, and the functional significance of this variant is currently unknown. In summary, the available evidence is currently insufficient to determine the role of this variant in disease. Therefore, it has been classified as a Variant of Uncertain Significance.

NC_000004.11:g.(?_128637460)_(128637591_?)del

Gene: INTU (inturned planar cell polarity protein; plus strand). Cytogenetic location: 4q28.1.
Variant type: Deletion.
Identifiers: ClinVar variation 3246748 (VCV003246748.1).